The following is an entry in ClinVar:

ClinVar aggregate classification (germline): Uncertain significance. Review status: criteria provided, multiple submitters, no conflicts (2 of 4 stars). 7 submissions from 7 submitters: Uncertain significance (6). 1 of the submissions does not count toward it. Last evaluated 2024-09-02.

Conditions:
PCNT-related disorder. Also called: PCNT-related condition.
Microcephalic osteodysplastic primordial dwarfism type II (MOPD2). Also called: Microcephalic osteodysplastic primordial dwarfism with tooth abnormalities; MOPD II; OSTEODYSPLASTIC PRIMORDIAL DWARFISM, TYPE II. Identifiers: Orphanet 2637, MedGen C0432246, MONDO:0008872, OMIM 210720.

Allele frequency attached by ClinVar (database versions not stated): 1000 Genomes Project 0.00020; gnomAD exomes 0.00021; TOPMed 0.00022; ExAC 0.00023; gnomAD 0.00027 and 0.00029; 1000 Genomes Project 30x 0.00031; ESP Exome Variant Server 0.00031.
gnomAD v4.1: 537 of 1,614,158 alleles (0.033%); highest among the groups gnomAD compares: Non-Finnish European, 0.043%; no homozygotes.

Submissions (7):

Blueprint Genetics
Classification: Uncertain significance. Last evaluated: 2024-09-02. Review status: criteria provided, single submitter. Criteria: ACMG Guidelines, 2015. Collection method: clinical testing. Allele origin: germline.

Revvity Omics, Revvity
Classification: Uncertain significance for Microcephalic osteodysplastic primordial dwarfism type II. Last evaluated: 2022-08-16. Review status: criteria provided, single submitter. Criteria: ACMG Guidelines, 2015. Collection method: clinical testing. Allele origin: germline.

Labcorp Genetics (formerly Invitae), Labcorp
Classification: Uncertain significance. Last evaluated: 2022-03-19. Review status: criteria provided, single submitter. Criteria: Invitae Variant Classification Sherloc (09022015). Collection method: clinical testing. Allele origin: germline.
Comment: This sequence change replaces aspartic acid, which is acidic and polar, with glutamic acid, which is acidic and polar, at codon 2065 of the PCNT protein (p.Asp2065Glu). This variant is present in population databases (rs148389745, gnomAD 0.04%). This variant has not been reported in the literature in individuals affected with PCNT-related conditions. ClinVar contains an entry for this variant (Variation ID: 436269). Algorithms developed to predict the effect of missense changes on protein structure and function are either unavailable or do not agree on the potential impact of this missense change (SIFT: "Tolerated"; PolyPhen-2: "Possibly Damaging"; Align-GVGD: "Class C0"). In summary, the available evidence is currently insufficient to determine the role of this variant in disease. Therefore, it has been classified as a Variant of Uncertain Significance.

Fulgent Genetics
Classification: Uncertain significance for Microcephalic osteodysplastic primordial dwarfism type II. Last evaluated: 2018-10-31. Review status: criteria provided, single submitter. Criteria: ACMG Guidelines, 2015. Collection method: clinical testing. Allele origin: unknown.

Illumina Laboratory Services, Illumina
Classification: Uncertain significance for Microcephalic osteodysplastic primordial dwarfism type II. Last evaluated: 2018-01-13. Review status: criteria provided, single submitter. Criteria: ICSL Variant Classification Criteria 13 December 2019. Collection method: clinical testing. Allele origin: germline.

Genetic Services Laboratory, University of Chicago
Classification: Uncertain significance. Last evaluated: 2015-08-18. Review status: criteria provided, single submitter. Criteria: ACMG Guidelines, 2015. Collection method: clinical testing. Allele origin: germline. Affected: no.

PreventionGenetics, part of Exact Sciences
Classification: Uncertain significance for PCNT-related condition. Last evaluated: 2024-08-26. Review status: no assertion criteria provided. Collection method: clinical testing. Allele origin: germline. Not counted in ClinVar's aggregate classification.
Comment: The PCNT c.6195T>G variant is predicted to result in the amino acid substitution p.Asp2065Glu. To our knowledge, this variant has not been reported in the literature. This variant is reported in 0.043% of alleles in individuals of European (Non-Finnish) descent in gnomAD. At this time, the clinical significance of this variant is uncertain due to the absence of conclusive functional and genetic evidence.

NM_006031.6(PCNT):c.6195T>G (p.Asp2065Glu)

Gene: PCNT (pericentrin; plus strand). Cytogenetic location: 21q22.3.
Variant type: single nucleotide variant.
Coding change: c.6195T>G on transcript NM_006031.6 (MANE Select); coding-DNA position 6195, T replaced by G.
Protein change: p.Asp2065Glu; replaces aspartic acid 2065 with glutamic acid.
Molecular consequence: missense variant.
Genome position (GRCh38, 1-based): chr21:46,416,113, T>G. VCF-style: chr21-46416113-T-G. GRCh37 (hg19) VCF-style: chr21-47836027-T-G.
Other names: c.5841T>G, p.Asp1947Glu (NM_001315529.2); short protein forms D2065E, D1947E.
Identifiers: ClinVar variation 436269 (VCV000436269.18), dbSNP rs148389745, ClinGen allele CA10080280.
Genomic context (GRCh38, chr21:46,416,113, plus strand): 5'-TCTGTTTCACCTGCAGGGTAAAGAAAAAGTACTGGAAGATTGTCAGCTGCCGAAGGTCGA[T>G]CTCGTAGCTCAGGTGAAACAGCTTCAGGAAAAACTGAACCGTTTGCTGTATTCCATGACC-3'
Protein context (NP_006022.3, residues 2055-2075): VLEDCQLPKV[Asp2065Glu]LVAQVKQLQE